The following is an entry in ClinVar:

NM_001377321.1(ABCA10):c.405G>A (p.Trp135Ter)

Gene: ABCA10 (ATP binding cassette subfamily A member 10; minus strand). Cytogenetic location: 17q24.3.
Variant type: single nucleotide variant.
Coding change: c.405G>A on transcript NM_001377321.1 (MANE Select); coding-DNA position 405, G replaced by A.
Protein change: p.Trp135Ter; replaces tryptophan 135 with a stop codon.
Molecular consequence: nonsense.
Genome position (GRCh38, 1-based): chr17:69,219,670, C>T on the plus strand (G>A on the coding strand, the complement: ABCA10 is on the minus strand). VCF-style: chr17-69219670-C-T. GRCh37 (hg19) VCF-style: chr17-67215811-C-T.
Other names: c.405G>A, p.Trp135Ter (NM_080282.4); short protein forms W135*.
Identifiers: ClinVar variation 4852713 (VCV004852713.2).

ClinVar aggregate classification (germline): Uncertain significance (1 of 4 stars; one submission).

gnomAD v4.1: 17 of 1,609,298 alleles (0.0011%); highest among the groups gnomAD compares: Admixed American, 0.027%; no homozygotes.

Submission:

Dasa
Classification: Uncertain significance. Last evaluated: 2025-12-25. Review status: criteria provided, single submitter. Criteria: DASA Assertion Criteria. Collection method: clinical testing. Allele origin: germline.
Comment: NM_001377321.1(ABCA10):c.405G>A (p.Trp135*) is a nonsense variant in ABCA10 predicted to introduce a premature termination codon and is predicted to result in an absent or altered protein product. This variant is rare in population databases. The currently available literature and clinical evidence are not sufficient to establish a definitive association between this variant and the reported condition. Therefore, this variant is classified as a variant of uncertain significance.